The following is an entry in ClinVar:

NM_006757.4(TNNT3):c.745G>A (p.Ala249Thr)

Gene: TNNT3 (troponin T3, fast skeletal type; plus strand). Cytogenetic location: 11p15.5.
Variant type: single nucleotide variant.
Coding change: c.745G>A on transcript NM_006757.4 (MANE Select); coding-DNA position 745, G replaced by A.
Protein change: p.Ala249Thr; replaces alanine 249 with threonine.
Molecular consequence: missense variant.
Genome position (GRCh38, 1-based): chr11:1,938,460, G>A. VCF-style: chr11-1938460-G-A. GRCh37 (hg19) VCF-style: chr11-1959690-G-A.
Other names: c.745G>A (NM_006757.3); c.721G>A, p.Ala241Thr (NM_001042780.3, NM_001042782.3, NM_001297646.2 and 2 more transcripts); c.739G>A, p.Ala247Thr (NM_001042781.3, NM_001367842.1, NM_001367843.1); c.754G>A, p.Ala252Thr (NM_001363561.2, NM_001367847.1); c.778G>A, p.Ala260Thr (NM_001367846.1); c.742G>A, p.Ala248Thr (NM_001367848.1); c.733G>A, p.Ala245Thr (NM_001367849.1); c.688G>A, p.Ala230Thr (NM_001367850.1); and 1 more; short protein forms A247T, A252T, A241T, A245T, A260T, A181T, A248T, A249T.
Identifiers: ClinVar variation 2979059 (VCV002979059.4), dbSNP rs1254217928, ClinGen allele CA379100577.

ClinVar aggregate classification (germline): Uncertain significance. Review status: criteria provided, multiple submitters, no conflicts (2 of 4 stars). 2 submissions from 2 submitters: Uncertain significance (2). Last evaluated 2025-10-06.

Conditions:
Inborn genetic diseases. Identifiers: MedGen C0950123, MeSH D030342.

Allele frequency attached by ClinVar (database versions not stated): gnomAD exomes below 0.00001.
gnomAD v4.1: 1 of 1,613,400 alleles (0.000062%); highest among the groups gnomAD compares: Admixed American, 0.0017%; no homozygotes.

Submissions (2):

Ambry Genetics
Classification: Uncertain significance for Inborn genetic diseases. Last evaluated: 2025-10-06. Review status: criteria provided, single submitter. Criteria: Ambry Variant Classification Scheme 2023. Collection method: clinical testing. Allele origin: germline.

Labcorp Genetics (formerly Invitae), Labcorp
Classification: Uncertain significance. Last evaluated: 2023-06-09. Review status: criteria provided, single submitter. Criteria: Invitae Variant Classification Sherloc (09022015). Collection method: clinical testing. Allele origin: germline.
Comment: In summary, the available evidence is currently insufficient to determine the role of this variant in disease. Therefore, it has been classified as a Variant of Uncertain Significance. An algorithm developed to predict the effect of missense changes on protein structure and function (PolyPhen-2) suggests that this variant is likely to be tolerated. This variant has not been reported in the literature in individuals affected with TNNT3-related conditions. This variant is present in population databases (no rsID available, gnomAD 0.003%). This sequence change replaces alanine, which is neutral and non-polar, with threonine, which is neutral and polar, at codon 249 of the TNNT3 protein (p.Ala249Thr).